The following is an entry in ClinVar:

NM_002474.3(MYH11):c.941T>C (p.Phe314Ser)

Gene: MYH11 (myosin heavy chain 11; minus strand). Cytogenetic location: 16p13.11.
Variant type: single nucleotide variant.
Coding change: c.941T>C on transcript NM_002474.3 (MANE Select); coding-DNA position 941, T replaced by C.
Protein change: p.Phe314Ser; replaces phenylalanine 314 with serine.
Molecular consequence: missense variant.
Genome position (GRCh38, 1-based): chr16:15,771,661, A>G on the plus strand (T>C on the coding strand, the complement: MYH11 is on the minus strand). VCF-style: chr16-15771661-A-G. GRCh37 (hg19) VCF-style: chr16-15865518-A-G.
Other names: c.962T>C, p.Phe321Ser (NM_001040113.2, NM_001040114.2); c.941T>C, p.Phe314Ser (NM_022844.3); short protein forms F314S, F321S.
Identifiers: ClinVar variation 3387250 (VCV003387250.1).
Genomic context (GRCh38, chr16:15,771,661, plus strand): 5'-GCCATGGCCTCCACGGTTTCCTGGAACATCTCATCATCCTGGGCTGCTGGGATGGGCACA[A>G]AGCCATTGGAGAGGAAGGTGTAGTTGTTGAAGCCCTCCAAAAGCAAGTCACCTAGAAGGA-3'
Protein context (NP_002465.1, residues 304-324): FNNYTFLSNG[Phe314Ser]VPIPAAQDDE

ClinVar aggregate classification (germline): Uncertain significance (1 of 4 stars; one submission).

Conditions:
Familial thoracic aortic aneurysm and aortic dissection (TAAD). Also called: Thoracic aortic aneurysms and dissections. Identifiers: Orphanet 91387, MedGen C4707243, MONDO:0019625.

gnomAD v4.1: 4 of 1,614,100 alleles (0.00025%); highest among the groups gnomAD compares: Admixed American, 0.0033%; no homozygotes.

Submission:

All of Us Research Program, National Institutes of Health
Classification: Uncertain significance for Familial thoracic aortic aneurysm and aortic dissection. Last evaluated: 2024-02-22. Review status: criteria provided, single submitter. Criteria: ACMG Guidelines, 2015. Collection method: clinical testing. Allele origin: germline. Inheritance: Autosomal dominant inheritance. Observed: 1 variant allele, 1 heterozygote.
Comment: This missense variant replaces phenylalanine with serine at codon 321 of the MYH11 protein. Computational prediction suggests that this variant may not impact protein structure and function (internally defined REVEL score threshold <= 0.5, PMID: 27666373). To our knowledge, functional studies have not been reported for this variant. This variant has not been reported in individuals affected with MYH11-related disorders in the literature. This variant has not been identified in the general population by the Genome Aggregation Database (gnomAD). The available evidence is insufficient to determine the role of this variant in disease conclusively. Therefore, this variant is classified as a Variant of Uncertain Significance.

This study involves interpretation of variants in research participants for the purpose of population health screening. Participant phenotype was not available at the time of variant classification. Additional details can be found in publication PMID: 35346344, PMCID: PMC8962531